The following is an entry in ClinVar:

NM_000350.3(ABCA4):c.4854G>A (p.Trp1618Ter)

Genes: ABCA4 (ATP binding cassette subfamily A member 4; minus strand), LOC126805793 (CDK7 strongly-dependent group 2 enhancer GRCh37_chr1:94486302-94487501; plus strand). Cytogenetic location: 1p22.1.
Variant type: single nucleotide variant.
Coding change: c.4854G>A on transcript NM_000350.3 (MANE Select); coding-DNA position 4854, G replaced by A.
Protein change: p.Trp1618Ter; replaces tryptophan 1618 with a stop codon.
Molecular consequence: nonsense.
Genome position (GRCh38, 1-based): chr1:94,021,404, C>T on the plus strand (G>A on the coding strand, the complement: ABCA4 is on the minus strand). VCF-style: chr1-94021404-C-T. GRCh37 (hg19) VCF-style: chr1-94486960-C-T.
Other names: c.4632G>A, p.Trp1544Ter (NM_001425324.1); short protein forms W1618*, W1544*.
Identifiers: ClinVar variation 99325 (VCV000099325.15), dbSNP rs61752439, ClinGen allele CA227244.

ClinVar aggregate classification (germline): Pathogenic. Review status: criteria provided, multiple submitters, no conflicts (2 of 4 stars). 5 submissions from 5 submitters: Pathogenic (4). 1 of the submissions does not count toward it. Last evaluated 2026-08-04.

Conditions:
ABCA4-related disorder. Also called: ABCA4-related condition; ABCA4-related disorders. Identifiers: MedGen CN239167.

gnomAD v4.1: 2 of 1,614,148 alleles (0.00012%); highest among the groups gnomAD compares: Admixed American, 0.0033%; no homozygotes.

Submissions (5):

PreventionGenetics, part of Exact Sciences
Classification: Pathogenic for ABCA4-related condition. Last evaluated: 2026-08-04. Review status: criteria provided, single submitter. Criteria: ACMG Guidelines, 2015. Collection method: clinical testing. Allele origin: germline.
Comment: The ABCA4 c.4854G>A variant is predicted to result in premature protein termination (p.Trp1618*). This variant has been reported in individuals with Stargardt disease or cone-rod dystrophy along with a second ABCA4 allele (Fishman et al. 2003. PubMed ID: 12796258; Table S2, Cornelis et al. 2022. PubMed ID: 35120629). This variant is present in 0.0058% of alleles in individuals of Latino descent in gnomAD. Nonsense variants in ABCA4 are an established mechanism of disease. This variant is interpreted as pathogenic.

Labcorp Genetics (formerly Invitae), Labcorp
Classification: Pathogenic. Last evaluated: 2025-11-28. Review status: criteria provided, single submitter. Criteria: Invitae Variant Classification Sherloc (09022015). Collection method: clinical testing. Allele origin: germline.
Comment: This sequence change creates a premature translational stop signal (p.Trp1618*) in the ABCA4 gene. It is expected to result in an absent or disrupted protein product. Loss-of-function variants in ABCA4 are known to be pathogenic (PMID: 10958761, 24938718, 25312043, 26780318). This variant is present in population databases (rs61752439, gnomAD 0.006%). This premature translational stop signal has been observed in individuals with retinal disease (PMID: 12796258; internal data). ClinVar contains an entry for this variant (Variation ID: 99325). For these reasons, this variant has been classified as Pathogenic.

GeneDx
Classification: Pathogenic. Last evaluated: 2019-10-22. Review status: criteria provided, single submitter. Criteria: GeneDx Variant Classification Process June 2021. Collection method: clinical testing. Allele origin: germline. Affected: yes.
Comment: Nonsense variant predicted to result in protein truncation or nonsense mediated decay in a gene for which loss-of-function is a known mechanism of disease; Not observed at a significant frequency in large population cohorts (Lek et al., 2016); This variant is associated with the following publications: (PMID: 17982420, 12796258, 25525159)

Blueprint Genetics
Classification: Pathogenic for ABCA4-related disorders. Last evaluated: 2019-07-09. Review status: criteria provided, single submitter. Criteria: ACMG Guidelines, 2015. Collection method: clinical testing. Allele origin: germline. Affected: yes. Observed: 5 variant alleles.

Retina International
No classification provided. Review status: no classification provided. Collection method: not provided. Allele origin: not provided. Not counted in ClinVar's aggregate classification.

Literature cited by the submitters: PubMed 10958761 (cited by Labcorp Genetics (formerly Invitae), Labcorp); PubMed 24938718 (cited by Labcorp Genetics (formerly Invitae), Labcorp); PubMed 25312043 (cited by Labcorp Genetics (formerly Invitae), Labcorp); PubMed 26780318 (cited by Labcorp Genetics (formerly Invitae), Labcorp); PubMed 12796258 (cited by Labcorp Genetics (formerly Invitae), Labcorp).